The following is an entry in ClinVar:

ClinVar aggregate classification (germline): Likely benign. Review status: criteria provided, multiple submitters, no conflicts (2 of 4 stars). 2 submissions from 2 submitters: Likely benign (2). Last evaluated 2025-04-08.

Allele frequency attached by ClinVar (database versions not stated): gnomAD exomes below 0.00001.
gnomAD v4.1: 2 of 1,509,982 alleles (0.00013%); highest among the groups gnomAD compares: Admixed American, 0.0021%; no homozygotes.

Submissions (2):

Mayo Clinic Laboratories, Mayo Clinic
Classification: Likely benign. Last evaluated: 2025-04-08. Review status: criteria provided, single submitter. Criteria: ACMG Guidelines, 2015. Collection method: clinical testing. Allele origin: germline. Observed: 1 variant allele.
Comment: BP4, BP7

Labcorp Genetics (formerly Invitae), Labcorp
Classification: Likely benign. Last evaluated: 2021-12-02. Review status: criteria provided, single submitter. Criteria: Invitae Variant Classification Sherloc (09022015). Collection method: clinical testing. Allele origin: germline.

NM_152416.4(NDUFAF6):c.414A>G (p.Leu138=)

Gene: NDUFAF6 (NADH:ubiquinone oxidoreductase complex assembly factor 6; plus strand). Cytogenetic location: 8q22.1.
Variant type: single nucleotide variant.
Coding change: c.414A>G on transcript NM_152416.4 (MANE Select); coding-DNA position 414, A replaced by G.
Protein change: p.Leu138=; no amino-acid change (leucine 138 retained).
Molecular consequence: synonymous variant. On other transcripts: 5 prime UTR variant (10), non-coding transcript variant (6).
Genome position (GRCh38, 1-based): chr8:95,035,570, A>G. VCF-style: chr8-95035570-A-G. GRCh37 (hg19) VCF-style: chr8-96047798-A-G.
Other names: p.Leu138=; c.138A>G, p.Leu46= (NM_001330582.2, NM_001354514.2, NM_001354515.2 and 1 more transcripts); c.258A>G, p.Leu86= (NM_001354516.2); c.81A>G, p.Leu27= (NM_001354517.2, NM_001354518.2, NM_001354519.2 and 1 more transcripts); c.-167A>G (NM_001354522.2, NM_001354529.2, NM_001354530.2 and 1 more transcripts); c.-236A>G (NM_001354524.2, NM_001354525.2, NM_001354528.2 and 1 more transcripts); c.-265A>G (NM_001354527.2, NM_001354531.2).
Identifiers: ClinVar variation 1660528 (VCV001660528.9), dbSNP rs2131807923, ClinGen allele CA462299871.